The following is an entry in ClinVar:

ClinVar aggregate classification (germline): Uncertain significance (1 of 4 stars; one submission).

Conditions:
Peters plus syndrome. Also called: KRAUSE-KIVLIN SYNDROME. Identifiers: Orphanet 709, MedGen C0796012, MONDO:0009856, OMIM 261540.

Allele frequency attached by ClinVar (database versions not stated): gnomAD exomes below 0.00001.
gnomAD v4.1: 2 of 1,614,164 alleles (0.00012%); highest among the groups gnomAD compares: Non-Finnish European, 0.00017%; no homozygotes.

Submission:

Labcorp Genetics (formerly Invitae), Labcorp
Classification: Uncertain significance for Peters plus syndrome. Last evaluated: 2025-05-05. Review status: criteria provided, single submitter. Criteria: Invitae Variant Classification Sherloc (09022015). Collection method: clinical testing. Allele origin: germline.
Comment: This sequence change replaces glutamic acid, which is acidic and polar, with glycine, which is neutral and non-polar, at codon 496 of the B3GLCT protein (p.Glu496Gly). This variant is not present in population databases (gnomAD no frequency). This variant has not been reported in the literature in individuals affected with B3GLCT-related conditions. ClinVar contains an entry for this variant (Variation ID: 1061055). An algorithm developed to predict the effect of missense changes on protein structure and function (PolyPhen-2) suggests that this variant is likely to be tolerated. In summary, the available evidence is currently insufficient to determine the role of this variant in disease. Therefore, it has been classified as a Variant of Uncertain Significance.

NM_194318.4(B3GLCT):c.1487A>G (p.Glu496Gly)

Gene: B3GLCT (beta 3-glucosyltransferase; plus strand). Cytogenetic location: 13q12.3.
Variant type: single nucleotide variant.
Coding change: c.1487A>G on transcript NM_194318.4 (MANE Select); coding-DNA position 1487, A replaced by G.
Protein change: p.Glu496Gly; replaces glutamic acid 496 with glycine.
Molecular consequence: missense variant.
Genome position (GRCh38, 1-based): chr13:31,329,658, A>G. VCF-style: chr13-31329658-A-G. GRCh37 (hg19) VCF-style: chr13-31903795-A-G.
Other names: short protein forms E496G.
Identifiers: ClinVar variation 1061055 (VCV001061055.9), dbSNP rs1875814798, ClinGen allele CA387819884.